The following is an entry in ClinVar:

ClinVar aggregate classification (germline): Likely pathogenic (1 of 4 stars; one submission).

Conditions:
Familial hypokalemia-hypomagnesemia (GTLMNS). Also called: POTASSIUM AND MAGNESIUM DEPLETION; HYPOMAGNESEMIA-HYPOKALEMIA, PRIMARY RENOTUBULAR, WITH HYPOCALCIURIA; gitelman syndrome. Identifiers: Orphanet 358, MedGen C0268450, MONDO:0009904, OMIM 263800.

Submission:

Juno Genomics, Hangzhou Juno Genomics, Inc
Classification: Likely pathogenic for Familial hypokalemia-hypomagnesemia. Review status: criteria provided, single submitter. Criteria: ACMG Guidelines, 2015. Collection method: clinical testing. Allele origin: germline.
Comment: Absent from controls (or at extremely low frequency if recessive) in Genome Aggregation Database.;Multiple lines of computational evidence support a deleterious effect on the gene or gene product.;Novel missense change at an amino acid residue where a different missense change determined to be pathogenic has been seen before.;For recessive disorders, detected in trans with a pathogenic variant.;Patient's phenotype or family history is highly specific for a disease with a single genetic etiology.

NM_001126108.2(SLC12A3):c.1262G>T (p.Cys421Phe)

Gene: SLC12A3 (solute carrier family 12 member 3; plus strand). Cytogenetic location: 16q13.
Variant type: single nucleotide variant.
Coding change: c.1262G>T on transcript NM_001126108.2 (MANE Select); coding-DNA position 1262, G replaced by T.
Protein change: p.Cys421Phe; replaces cysteine 421 with phenylalanine.
Molecular consequence: missense variant.
Genome position (GRCh38, 1-based): chr16:56,879,154, G>T. VCF-style: chr16-56879154-G-T. GRCh37 (hg19) VCF-style: chr16-56913066-G-T.
Other names: c.1259G>T, p.Cys420Phe (NM_001410896.1, NM_001126107.2); c.1262G>T, p.Cys421Phe (NM_000339.3); short protein forms C421F, C420F.
Identifiers: ClinVar variation 5005605 (VCV005005605.2).